The following is an entry in ClinVar:

ClinVar aggregate classification (germline): Uncertain significance. Review status: criteria provided, multiple submitters, no conflicts (2 of 4 stars). 4 submissions from 4 submitters: Uncertain significance (4). Last evaluated 2022-05-04.

Conditions:
Inborn genetic diseases. Identifiers: MedGen C0950123, MeSH D030342.
ALG1-congenital disorder of glycosylation. Also called: ALG1-CDG; CONGENITAL DISORDER OF GLYCOSYLATION, TYPE Ik; CDG Ik. Identifiers: Orphanet 79327, MedGen C2931005, MONDO:0012052, OMIM 608540.

Allele frequency attached by ClinVar (database versions not stated): ExAC 0.00001; gnomAD 0.00003; TOPMed 0.00006.

Submissions (4):

Ambry Genetics
Classification: Uncertain significance for Inborn genetic diseases. Last evaluated: 2022-05-04. Review status: criteria provided, single submitter. Criteria: Ambry Variant Classification Scheme 2023. Collection method: clinical testing. Allele origin: germline.

Fulgent Genetics
Classification: Uncertain significance for ALG1-congenital disorder of glycosylation. Last evaluated: 2022-04-13. Review status: criteria provided, single submitter. Criteria: ACMG Guidelines, 2015. Collection method: clinical testing. Allele origin: unknown.

Labcorp Genetics (formerly Invitae), Labcorp
Classification: Uncertain significance for ALG1-congenital disorder of glycosylation. Last evaluated: 2021-08-09. Review status: criteria provided, single submitter. Criteria: Invitae Variant Classification Sherloc (09022015). Collection method: clinical testing. Allele origin: germline.
Comment: This sequence change replaces alanine with valine at codon 10 of the ALG1 protein (p.Ala10Val). The alanine residue is weakly conserved and there is a small physicochemical difference between alanine and valine. This variant is present in population databases (rs767455250, ExAC 0.02%). This variant has not been reported in the literature in individuals affected with ALG1-related conditions. ClinVar contains an entry for this variant (Variation ID: 593009). Advanced modeling of protein sequence and biophysical properties (such as structural, functional, and spatial information, amino acid conservation, physicochemical variation, residue mobility, and thermodynamic stability) performed at Invitae indicates that this missense variant is not expected to disrupt ALG1 protein function. In summary, the available evidence is currently insufficient to determine the role of this variant in disease. Therefore, it has been classified as a Variant of Uncertain Significance.

Eurofins Ntd Llc (ga)
Classification: Uncertain significance. Last evaluated: 2017-07-14. Review status: criteria provided, single submitter. Criteria: EGL Classification Definitions 2015. Collection method: clinical testing. Allele origin: germline. Observed: 1 variant allele, 1 heterozygote.

NM_019109.5(ALG1):c.29C>T (p.Ala10Val)

Genes: ALG1 (ALG1 chitobiosyldiphosphodolichol beta-mannosyltransferase; plus strand), LOC130058383 (ATAC-STARR-seq lymphoblastoid active region 10348; plus strand). Cytogenetic location: 16p13.3.
Variant type: single nucleotide variant.
Coding change: c.29C>T on transcript NM_019109.5 (MANE Select); coding-DNA position 29, C replaced by T.
Protein change: p.Ala10Val; replaces alanine 10 with valine.
Molecular consequence: missense variant.
Genome position (GRCh38, 1-based): chr16:5,071,878, C>T. VCF-style: chr16-5071878-C-T. GRCh37 (hg19) VCF-style: chr16-5121879-C-T.
Other names: c.29C>T (NM_019109.4); short protein forms A10V.
Identifiers: ClinVar variation 593009 (VCV000593009.9), dbSNP rs767455250, ClinGen allele CA7889644.
Genomic context (GRCh38, chr16:5,071,878, plus strand): 5'-CGCGGTCACGTGACTGCTGCGGGCCAGCCAAGATGGCGGCCTCATGCTTGGTCCTGCTGG[C>T]GCTGTGTCTGCTGCTGCCGCTGCTGCTGCTGGGAGGATGGAAGCGCTGGCGCCGGGGGCG-3'
Protein context (NP_061982.3, residues 1-20): MAASCLVLL[Ala10Val]LCLLLPLLLL